The following is an entry in ClinVar:

ClinVar aggregate classification (germline): Uncertain significance (1 of 4 stars; one submission).

Conditions:
Inborn genetic diseases. Identifiers: MedGen C0950123, MeSH D030342.

gnomAD v4.1: 4 of 1,614,074 alleles (0.00025%); highest among the groups gnomAD compares: South Asian, 0.0044%; no homozygotes.

Submission:

Ambry Genetics
Classification: Uncertain significance for Inborn genetic diseases. Last evaluated: 2025-04-18. Review status: criteria provided, single submitter. Criteria: Ambry Variant Classification Scheme 2023. Collection method: clinical testing. Allele origin: germline.
Comment: The p.E180D variant (also known as c.540A>T), located in coding exon 6 of the FANCA gene, results from an A to T substitution at nucleotide position 540. The glutamic acid at codon 180 is replaced by aspartic acid, an amino acid with highly similar properties. This amino acid position is conserved. In addition, the in silico prediction for this alteration is inconclusive. Based on the available evidence, the clinical significance of this variant remains unclear.

NM_000135.4(FANCA):c.540A>T (p.Glu180Asp)

Gene: FANCA (FA complementation group A; minus strand). Cytogenetic location: 16q24.3.
Variant type: single nucleotide variant.
Coding change: c.540A>T on transcript NM_000135.4 (MANE Select); coding-DNA position 540, A replaced by T.
Protein change: p.Glu180Asp; replaces glutamic acid 180 with aspartic acid.
Molecular consequence: missense variant.
Genome position (GRCh38, 1-based): chr16:89,808,350, T>A on the plus strand (A>T on the coding strand, the complement: FANCA is on the minus strand). VCF-style: chr16-89808350-T-A. GRCh37 (hg19) VCF-style: chr16-89874758-T-A.
Other names: c.540A>T, p.Glu180Asp (NM_001018112.3, NM_001286167.3); c.444A>T, p.Glu148Asp (NM_001351830.2); short protein forms E148D, E180D.
Identifiers: ClinVar variation 4022205 (VCV004022205.1).